The following is an entry in ClinVar:

NM_001292063.2(OTOG):c.4037del (p.Val1346fs)

Gene: OTOG (otogelin; plus strand). Cytogenetic location: 11p15.1.
Variant type: Deletion.
Coding change: c.4037del on transcript NM_001292063.2 (MANE Select); coding-DNA position 4037, one base deleted (T; older notation c.4037delT).
Protein change: p.Val1346fs; shifts the reading frame from valine 1346.
Molecular consequence: frameshift variant.
Genome position (GRCh38, 1-based): chr11:17,606,016, T deleted. VCF-style (leftmost placement, unchanged base first): chr11-17606015-GT-G. GRCh37 (hg19) VCF-style: chr11-17627562-GT-G.
Other names: c.4073del, p.Val1358fs (NM_001277269.2); short protein forms V1346fs, V1358fs.
Identifiers: ClinVar variation 1069694 (VCV001069694.7), dbSNP rs1192250435, ClinGen allele CA674252762.
Genomic context (GRCh38, chr11:17,606,015, plus strand): 5'-GACACCTTCCAACAGCATGCCTCCTTCTTGCTGCACCGGGGGACACGGCAGGCAGGCCTG[GT>G]GGCCCTGGAGTCCCTGGCCAAGCCCAGCTCCTTCCTCTATGTGTCGGGCGCGGTGCTGGC-3'

ClinVar aggregate classification (germline): Pathogenic (1 of 4 stars; one submission).

Allele frequency attached by ClinVar (database versions not stated): TOPMed below 0.00001; gnomAD 0.00001; gnomAD exomes 0.00001.

Submission:

Labcorp Genetics (formerly Invitae), Labcorp
Classification: Pathogenic. Last evaluated: 2023-10-11. Review status: criteria provided, single submitter. Criteria: Invitae Variant Classification Sherloc (09022015). Collection method: clinical testing. Allele origin: germline.
Comment: This sequence change creates a premature translational stop signal (p.Val1358Glyfs*81) in the OTOG gene. It is expected to result in an absent or disrupted protein product. Loss-of-function variants in OTOG are known to be pathogenic (PMID: 23122587). This variant is not present in population databases (gnomAD no frequency). This variant has not been reported in the literature in individuals affected with OTOG-related conditions. ClinVar contains an entry for this variant (Variation ID: 1069694). For these reasons, this variant has been classified as Pathogenic.

Literature cited by the submitters: PubMed 23122587.